The following is an entry in ClinVar:

ClinVar aggregate classification (germline): Uncertain significance (1 of 4 stars; one submission).

Submission:

Women's Health and Genetics/Laboratory Corporation of America, LabCorp
Classification: Uncertain significance. Last evaluated: 2017-06-14. Review status: criteria provided, single submitter. Criteria: LabCorp Variant Classification Summary - May 2015. Collection method: clinical testing. Allele origin: germline.
Comment: Variant summary: The FBN1 c.1837G>T (p.Asp613Tyr) variant involves the alteration of a conserved nucleotide, resulting in a missense substitution that lies within an EGF-like calcium binding domain (InterPro). 4/4 in silico tools predict a damaging outcome for this variant (SNPsandGO not captured due to low reliability index). The variant is the last nucleotide in exon 15 and lies directly adjacent to an intron/exon junction. 4/5 splice prediction tools predict a significant impact on the 5' donor splice site and 2/5 tools predict a significant impact on the 3' acceptor splice site. ESE finder predicts this variant may create a novel SF2/ASF ESE site at the locus. However, these predictions have yet to be confirmed by functional studies. This variant is absent from the large control database ExAC (0/121192 control chromosomes). To our knowledge, the variant of interest has not been reported in affected individuals via publications and/or reputable databases/clinical diagnostic laboratories, nor has it been evaluated for functional impact by in vivo/vitro studies. Additionally, the overlapping variant c.1837G>A (p.Asp613Asn) has been identified in at least one Marfan syndrome patient (Hung_Ann Hum Genet_2009; HGMD and UMD databases). Taken together, the variant has been classified as VUS-Possibly Pathogenic.

NM_000138.5(FBN1):c.1837G>T (p.Asp613Tyr)

Gene: FBN1 (fibrillin 1; minus strand). Cytogenetic location: 15q21.1.
Variant type: single nucleotide variant.
Coding change: c.1837G>T on transcript NM_000138.5 (MANE Select); coding-DNA position 1837, G replaced by T.
Protein change: p.Asp613Tyr; replaces aspartic acid 613 with tyrosine.
Molecular consequence: missense variant.
Genome position (GRCh38, 1-based): chr15:48,508,582, C>A on the plus strand (G>T on the coding strand, the complement: FBN1 is on the minus strand). VCF-style: chr15-48508582-C-A. GRCh37 (hg19) VCF-style: chr15-48800779-C-A.
Other names: short protein forms D613Y.
Identifiers: ClinVar variation 495561 (VCV000495561.1), dbSNP rs1555399943, ClinGen allele CA392340139.